The following is an entry in ClinVar:

ClinVar aggregate classification (germline): Likely benign. Review status: criteria provided, multiple submitters, no conflicts (2 of 4 stars). 3 submissions from 3 submitters: Likely benign (2). 1 of the submissions does not count toward it. Last evaluated 2024-10-22.

Conditions:
Inborn genetic diseases. Identifiers: MedGen C0950123, MeSH D030342.
COL18A1-related disorder. Also called: COL18A1-related disorders; COL18A1-related condition.

Allele frequency attached by ClinVar (database versions not stated): ESP Exome Variant Server 0.00041; 1000 Genomes Project 30x 0.00047; ExAC 0.00053; gnomAD 0.00057; 1000 Genomes Project 0.00060; TOPMed 0.00071; gnomAD exomes 0.00080.
gnomAD v4.1: 1,228 of 1,585,182 alleles (0.077%); highest among the groups gnomAD compares: Admixed American, 0.14%; 1 homozygote.

Submissions (3):

Blueprint Genetics
Classification: Likely benign. Last evaluated: 2024-10-22. Review status: criteria provided, single submitter. Criteria: ACMG Guidelines, 2015. Collection method: clinical testing. Allele origin: germline.

Ambry Genetics
Classification: Likely benign for Inborn genetic diseases. Last evaluated: 2021-10-06. Review status: criteria provided, single submitter. Criteria: Ambry Variant Classification Scheme 2023. Collection method: clinical testing. Allele origin: germline.

PreventionGenetics, part of Exact Sciences
Classification: Likely benign for COL18A1-related condition. Last evaluated: 2022-01-31. Review status: no assertion criteria provided. Collection method: clinical testing. Allele origin: germline. Not counted in ClinVar's aggregate classification.
Comment: This variant is classified as likely benign based on ACMG/AMP sequence variant interpretation guidelines (Richards et al. 2015 PMID: 25741868, with internal and published modifications).

NM_001379500.1(COL18A1):c.107-12111C>T

Gene: COL18A1 (collagen type XVIII alpha 1 chain; plus strand). Cytogenetic location: 21q22.3.
Variant type: single nucleotide variant.
Coding change: c.107-12111C>T on transcript NM_001379500.1 (MANE Select); 12111 bases into the intron before coding-DNA position 107, C replaced by T.
Molecular consequence: intron variant. On other transcripts: missense variant (2).
Genome position (GRCh38, 1-based): chr21:45,456,131, C>T. VCF-style: chr21-45456131-C-T. GRCh37 (hg19) VCF-style: chr21-46876045-C-T.
Other names: NM_130445.2:c.107-12111C>T; c.601C>T, p.Pro201Ser (NM_030582.4, NM_130444.3); c.601C>T (NM_030582.3); short protein forms P201S.
Identifiers: ClinVar variation 2349730 (VCV002349730.5), dbSNP rs199725915, ClinGen allele CA10065525.